The following is an entry in ClinVar:

NM_004415.4(DSP):c.361C>A (p.Leu121Ile)

Gene: DSP (desmoplakin; plus strand). Cytogenetic location: 6p24.3.
Variant type: single nucleotide variant.
Coding change: c.361C>A on transcript NM_004415.4 (MANE Select); coding-DNA position 361, C replaced by A.
Protein change: p.Leu121Ile; replaces leucine 121 with isoleucine.
Molecular consequence: missense variant.
Genome position (GRCh38, 1-based): chr6:7,558,203, C>A. VCF-style: chr6-7558203-C-A. GRCh37 (hg19) VCF-style: chr6-7558436-C-A.
Other names: c.361C>A, p.Leu121Ile (NM_001008844.3, NM_001319034.2, NM_001406591.1); short protein forms L121I.
Identifiers: ClinVar variation 3072156 (VCV003072156.1), dbSNP rs2533849422, ClinGen allele CA362671291.
Genomic context (GRCh38, chr6:7,558,203, plus strand): 5'-CTGACTCGGAGTCGAGAATTGGATGAGTGTTTTGCCCAGGCCAATGACCAAATGGAAATC[C>A]TCGACAGCTTGATCAGAGAGATGCGGCAGATGGGCCAGCCCTGTGATGCTTACCAGAAAA-3'
Protein context (NP_004406.2, residues 111-131): FAQANDQMEI[Leu121Ile]DSLIREMRQM

ClinVar aggregate classification (germline): Uncertain significance (1 of 4 stars; one submission).

Conditions:
Arrhythmogenic cardiomyopathy with wooly hair and keratoderma. Also called: PALMOPLANTAR KERATODERMA WITH LEFT VENTRICULAR CARDIOMYOPATHY AND WOOLLY HAIR; Carvajal syndrome; Dilated cardiomyopathy with woolly hair and keratoderma; Arrhythmogenic cardiomyopathy with woolly hair and keratoderma. Identifiers: Orphanet 65282, MedGen C1854063, MONDO:0011581, OMIM 605676.

Submission:

All of Us Research Program, National Institutes of Health
Classification: Uncertain significance for Arrhythmogenic cardiomyopathy with wooly hair and keratoderma. Last evaluated: 2023-06-26. Review status: criteria provided, single submitter. Criteria: ACMG Guidelines, 2015. Collection method: clinical testing. Allele origin: germline. Inheritance: Autosomal dominant inheritance. Observed: 1 variant allele, 1 heterozygote.
Comment: This missense variant replaces leucine with isoleucine at codon 121 of the DSP protein. Computational prediction suggests that this variant may not impact protein structure and function (internally defined REVEL score threshold <= 0.5, PMID: 27666373). To our knowledge, functional studies have not been reported for this variant. This variant has not been reported in individuals affected with DSP-related disorders in the literature. This variant has not been identified in the general population by the Genome Aggregation Database (gnomAD). The available evidence is insufficient to determine the role of this variant in disease conclusively. Therefore, this variant is classified as a Variant of Uncertain Significance.

This study involves interpretation of variants in research participants for the purpose of population health screening. Participant phenotype was not available at the time of variant classification. Additional details can be found in publication PMID: 35346344, PMCID: PMC8962531